The following is an entry in ClinVar:

ClinVar aggregate classification (germline): Uncertain significance (1 of 4 stars; one submission).

Submission:

Labcorp Genetics (formerly Invitae), Labcorp
Classification: Uncertain significance. Last evaluated: 2022-04-28. Review status: criteria provided, single submitter. Criteria: Invitae Variant Classification Sherloc (09022015). Collection method: clinical testing. Allele origin: germline.
Comment: In summary, the available evidence is currently insufficient to determine the role of this variant in disease. Therefore, it has been classified as a Variant of Uncertain Significance. Algorithms developed to predict the effect of missense changes on protein structure and function are either unavailable or do not agree on the potential impact of this missense change (SIFT: "Tolerated"; PolyPhen-2: "Probably Damaging"; Align-GVGD: "Class C0"). This variant has not been reported in the literature in individuals affected with VPS13A-related conditions. This variant is not present in population databases (gnomAD no frequency). This sequence change replaces asparagine, which is neutral and polar, with lysine, which is basic and polar, at codon 1763 of the VPS13A protein (p.Asn1763Lys).

NM_033305.3(VPS13A):c.5289T>G (p.Asn1763Lys)

Gene: VPS13A (vacuolar protein sorting 13 homolog A; plus strand). Cytogenetic location: 9q21.2.
Variant type: single nucleotide variant.
Coding change: c.5289T>G on transcript NM_033305.3 (MANE Select); coding-DNA position 5289, T replaced by G.
Protein change: p.Asn1763Lys; replaces asparagine 1763 with lysine.
Molecular consequence: missense variant.
Genome position (GRCh38, 1-based): chr9:77,318,567, T>G. VCF-style: chr9-77318567-T-G. GRCh37 (hg19) VCF-style: chr9-79933483-T-G.
Other names: c.5172T>G, p.Asn1724Lys (NM_001018037.2); c.5289T>G, p.Asn1763Lys (NM_001018038.3, NM_015186.4); short protein forms N1763K, N1724K.
Identifiers: ClinVar variation 2121102 (VCV002121102.4), dbSNP rs2537997031, ClinGen allele CA373860446.
Genomic context (GRCh38, chr9:77,318,567, plus strand): 5'-TATGCTTCTGGCAAAGTCACGTTTTTCAGGGGAAGGCAAAAACTGGAGTTCCCTAATAAA[T>G]CTGCACTGTCAGCTTGAGCTAGAAGTAAGCATATTTTTCCAGTTTTATAACAGATAATGA-3'
Protein context (NP_150648.2, residues 1753-1773): GEGKNWSSLI[Asn1763Lys]LHCQLELEVH